The following is an entry in ClinVar:

ClinVar aggregate classification (germline): Benign (1 of 4 stars; one submission).

Conditions:
CBL-related disorder. Also called: NOONAN SYNDROME-LIKE DISORDER WITHOUT JUVENILE MYELOMONOCYTIC LEUKEMIA; CBL MUTATION-ASSOCIATED SYNDROME; CBL SYNDROME. Identifiers: Orphanet 363972, MedGen C3150803, MONDO:0013308, OMIM 613563.

Allele frequency attached by ClinVar (database versions not stated): gnomAD exomes 0.00196; gnomAD 0.00731 and 0.00740; TOPMed 0.00827; 1000 Genomes Project 30x 0.01031; 1000 Genomes Project 0.01038.
gnomAD v4.1: 1,282 of 233,668 alleles (0.55%); highest among the groups gnomAD compares: African/African-American, 2.2%; 15 homozygotes.

Submission:

Illumina Laboratory Services, Illumina
Classification: Benign for CBL-related disorder. Last evaluated: 2018-01-13. Review status: criteria provided, single submitter. Criteria: ICSL Variant Classification Criteria 13 December 2019. Collection method: clinical testing. Allele origin: germline.
Comment: This variant was observed in the ICSL laboratory as part of a predisposition screen in an ostensibly healthy population. It had not been previously curated by ICSL or reported in the Human Gene Mutation Database (HGMD: prior to June 1st, 2018), and was therefore a candidate for classification through an automated scoring system. Utilizing variant allele frequency, disease prevalence and penetrance estimates, and inheritance mode, an automated score was calculated to assess if this variant is too frequent to cause the disease. Based on the score and internal cut-off values, a variant classified as benign is not then subjected to further curation. The score for this variant resulted in a classification of benign for this disease.

NM_005188.4(CBL):c.*4088C>T

Gene: CBL (Cbl proto-oncogene; plus strand). Cytogenetic location: 11q23.3.
Variant type: single nucleotide variant.
Coding change: c.*4088C>T on transcript NM_005188.4 (MANE Select); 4088 bases downstream of the stop codon, C replaced by T.
Molecular consequence: 3 prime UTR variant.
Genome position (GRCh38, 1-based): chr11:119,303,869, C>T. VCF-style: chr11-119303869-C-T. GRCh37 (hg19) VCF-style: chr11-119174579-C-T.
Identifiers: ClinVar variation 302845 (VCV000302845.5), dbSNP rs140837295, ClinGen allele CA10633686.
Genomic context (GRCh38, chr11:119,303,869, plus strand): 5'-CCCCTTTCCAATCTAGTGCCTTCCTTGAACTTTTTCCTGAGCTGCTACGTCCCTAATCCC[C>T]CTTGTTGGGAGGATTTTCGTATCACCCTTATGGGACCTGTCACCATGTCCTGTACTATTT-3'